The following is an entry in ClinVar:

ClinVar aggregate classification (germline): Uncertain significance (0 of 4 stars; one submission).

gnomAD v4.1: 1 of 1,614,200 alleles (0.000062%); highest among the groups gnomAD compares: Non-Finnish European, 0.000085%; no homozygotes.

Submission:

Richard Lifton Laboratory, Yale University School of Medicine
Classification: Uncertain significance. Review status: no assertion criteria provided. Collection method: not provided. Allele origin: somatic.
Comment: POLR1C
ClinVar note: Converted during submission from unknown to Uncertain significance.

NM_203290.4(POLR1C):c.882G>T (p.Lys294Asn)

Gene: POLR1C (RNA polymerase I and III subunit C; plus strand). Cytogenetic location: 6p21.1.
Variant type: single nucleotide variant.
Coding change: c.882G>T on transcript NM_203290.4 (MANE Select); coding-DNA position 882, G replaced by T.
Protein change: p.Lys294Asn; replaces lysine 294 with asparagine.
Molecular consequence: missense variant.
Genome position (GRCh38, 1-based): chr6:43,521,008, G>T. VCF-style: chr6-43521008-G-T. GRCh37 (hg19) VCF-style: chr6-43488746-G-T.
Other names: c.882G>T, p.Lys294Asn (NM_001318876.2, NM_001363658.2); short protein forms K294N.
Identifiers: ClinVar variation 92040 (VCV000092040.2), dbSNP rs386352351, ClinGen allele CA232405.